The following is an entry in ClinVar:

ClinVar aggregate classification (germline): Likely pathogenic (1 of 4 stars; one submission).

Conditions:
Congenital muscular dystrophy due to integrin alpha-7 deficiency. Also called: Congenital muscular dystrophy with integrin alpha-7 deficiency; Muscular dystrophy, congenital, due to ITGA7 deficiency; MYOPATHY, CONGENITAL, DUE TO INTEGRIN ALPHA-7 DEFICIENCY. Identifiers: Orphanet 34520, MedGen C2750786, MONDO:0013177, OMIM 613204.

Submission:

Juno Genomics, Hangzhou Juno Genomics, Inc
Classification: Likely pathogenic for Congenital muscular dystrophy due to integrin alpha-7 deficiency. Review status: criteria provided, single submitter. Criteria: ACMG Guidelines, 2015. Collection method: clinical testing. Allele origin: germline.
Comment: Absent from controls (or at extremely low frequency if recessive) in Genome Aggregation Database.;Null variant in a gene where loss of function (LOF) is a known mechanism of disease.

NM_002206.3(ITGA7):c.746_758del (p.Arg249fs)

Gene: ITGA7 (integrin subunit alpha 7; minus strand). Cytogenetic location: 12q13.2.
Variant type: Deletion.
Coding change: c.746_758del on transcript NM_002206.3 (MANE Select); coding-DNA positions 746 to 758, 13 bases deleted (GGCTCCCAGGACC).
Protein change: p.Arg249fs; shifts the reading frame from arginine 249.
Molecular consequence: frameshift variant. On other transcripts: intron variant (7).
Genome position (GRCh38, 1-based): chr12:55,699,902-55,699,914, GGTCCTGGGAGCC deleted on the plus strand (GGCTCCCAGGACC on the coding strand, the reverse complement: ITGA7 is on the minus strand); deleting any 13 consecutive bases within chr12:55,699,902-55,699,918 gives the same sequence; the c. name uses the placement nearest the transcript's 3' end. VCF-style (leftmost placement, unchanged base first): chr12-55699901-TGGTCCTGGGAGCC-T. GRCh37 (hg19) VCF-style: chr12-56093685-TGGTCCTGGGAGCC-T.
Other names: c.746_758del, p.Arg249fs (NM_001374465.1, NM_001414031.1, NM_001414034.1); c.878_890del, p.Arg293fs (NM_001410977.1); c.563_575del, p.Arg188fs (NM_001414033.1); c.407_419del, p.Arg136fs (NM_001414035.1); c.511+348_511+360del (NM_001144997.2); c.463+348_463+360del (NM_001367993.1); c.-503+985_-502-985del (NM_001367994.1); c.670+985_671-985del (NM_001414032.1); and 1 more; short protein forms R136fs, R188fs, R249fs, R293fs.
Identifiers: ClinVar variation 5018846 (VCV005018846.2).
Genomic context (GRCh38, chr12:55,699,901, plus strand): 5'-TAGAGTCCAGGAGGTGGGAGCTTACAAACCTAAGTAGCTATTGAGGGCCAAGTCTCCGGC[TGGTCCTGGGAGCC>T]GGTCAGCAGGGTCCAAAGTTTTATACACCAGCTGGTCGGGGTCTGAGCTATCAATGTTGG-3'